The following is an entry in ClinVar:

NM_004260.4(RECQL4):c.2215del (p.Thr739fs)

Gene: RECQL4 (RecQ like helicase 4; minus strand). Cytogenetic location: 8q24.3.
Variant type: Deletion.
Coding change: c.2215del on transcript NM_004260.4 (MANE Select); coding-DNA position 2215, one base deleted (A; older notation c.2215delA).
Protein change: p.Thr739fs; shifts the reading frame from threonine 739.
Molecular consequence: frameshift variant.
Genome position (GRCh38, 1-based): chr8:144,513,466, T deleted on the plus strand (A on the coding strand, the reverse complement: RECQL4 is on the minus strand); the first of 4 consecutive T bases (chr8:144,513,466-144,513,469); deleting any one gives the same sequence. VCF-style (leftmost placement, unchanged base first): chr8-144513465-GT-G. GRCh37 (hg19) VCF-style: chr8-145738849-GT-G.
Other names: short protein forms T739fs.
Identifiers: ClinVar variation 1380880 (VCV001380880.6), dbSNP rs2130680809, ClinGen allele CA2573143076.

ClinVar aggregate classification (germline): Pathogenic (1 of 4 stars; one submission).

Conditions:
Baller-Gerold syndrome (BGS). Also called: CRANIOSYNOSTOSIS WITH RADIAL DEFECTS. Identifiers: Orphanet 1225, MedGen C0265308, MONDO:0009039, OMIM 218600.

Submission:

Labcorp Genetics (formerly Invitae), Labcorp
Classification: Pathogenic for Baller-Gerold syndrome. Last evaluated: 2024-09-05. Review status: criteria provided, single submitter. Criteria: Invitae Variant Classification Sherloc (09022015). Collection method: clinical testing. Allele origin: germline.
Comment: This sequence change creates a premature translational stop signal (p.Thr739Profs*104) in the RECQL4 gene. It is expected to result in an absent or disrupted protein product. Loss-of-function variants in RECQL4 are known to be pathogenic (PMID: 12734318, 12952869). This variant is not present in population databases (gnomAD no frequency). This variant has not been reported in the literature in individuals affected with RECQL4-related conditions. ClinVar contains an entry for this variant (Variation ID: 1380880). For these reasons, this variant has been classified as Pathogenic.

Literature cited by the submitters: PubMed 12734318; PubMed 12952869.